The following is an entry in ClinVar:

NM_003809.3(TNFSF12):c.469C>T (p.Arg157Trp)

Genes: TNFSF12 (TNF superfamily member 12; plus strand), TNFSF12-TNFSF13 (TNFSF12-TNFSF13 readthrough; plus strand). Cytogenetic location: 17p13.1.
Variant type: single nucleotide variant.
Coding change: c.469C>T on transcript NM_003809.3 (MANE Select); coding-DNA position 469, C replaced by T.
Protein change: p.Arg157Trp; replaces arginine 157 with tryptophan.
Molecular consequence: missense variant. On other transcripts: non-coding transcript variant (1).
Genome position (GRCh38, 1-based): chr17:7,556,873, C>T. VCF-style: chr17-7556873-C-T. GRCh37 (hg19) VCF-style: chr17-7460190-C-T.
Other names: c.469C>T, p.Arg157Trp (NM_172089.4); short protein forms R157W.
Identifiers: ClinVar variation 945930 (VCV000945930.7), dbSNP rs763175605, ClinGen allele CA8350838.

ClinVar aggregate classification (germline): Uncertain significance (1 of 4 stars; one submission).

Conditions:
Common variable immunodeficiency (CVID). Also called: Common variable hypogamma-globulinemia; Common variable agammaglobulinemia. Identifiers: Orphanet 1572, MedGen C0009447, MONDO:0015517.

Allele frequency attached by ClinVar (database versions not stated): ExAC 0.00002; gnomAD 0.00002 and 0.00003; gnomAD exomes 0.00002; TOPMed 0.00003.

Submission:

Labcorp Genetics (formerly Invitae), Labcorp
Classification: Uncertain significance for Common variable immunodeficiency. Last evaluated: 2025-02-10. Review status: criteria provided, single submitter. Criteria: Invitae Variant Classification Sherloc (09022015). Collection method: clinical testing. Allele origin: germline.
Comment: This sequence change replaces arginine, which is basic and polar, with tryptophan, which is neutral and slightly polar, at codon 157 of the TNFSF12 protein (p.Arg157Trp). This variant is present in population databases (rs763175605, gnomAD 0.01%). This variant has not been reported in the literature in individuals affected with TNFSF12-related conditions. ClinVar contains an entry for this variant (Variation ID: 945930). An algorithm developed to predict the effect of missense changes on protein structure and function (PolyPhen-2) suggests that this variant is likely to be disruptive. In summary, the available evidence is currently insufficient to determine the role of this variant in disease. Therefore, it has been classified as a Variant of Uncertain Significance.